The following is an entry in ClinVar:

ClinVar aggregate classification (germline): Likely pathogenic (1 of 4 stars; one submission).

Conditions:
CD36-related disorder. Also called: CD36-related disorders; CD36-related condition.

Submission:

PreventionGenetics, part of Exact Sciences
Classification: Likely pathogenic for CD36-related condition. Last evaluated: 2025-01-24. Review status: criteria provided, single submitter. Criteria: ACMG Guidelines, 2015. Collection method: clinical testing. Allele origin: germline.
Comment: The CD36 c.401dupA variant is predicted to result in a frameshift and premature protein termination (p.Asn134Lysfs*30). To our knowledge, this variant has not been reported in the literature. This variant is reported in 0.012% of alleles in individuals of African descent in gnomAD. Frameshift variants in CD36 are expected to be pathogenic. This variant is interpreted as likely pathogenic.

NM_001001548.3(CD36):c.401dup (p.Asn134fs)

Gene: CD36 (CD36 molecule (CD36 blood group); plus strand). Cytogenetic location: 7q21.11.
Variant type: Duplication.
Coding change: c.401dup on transcript NM_001001548.3 (MANE Select); coding-DNA position 401, one base duplicated (A; older notation c.401dupA).
Protein change: p.Asn134fs; shifts the reading frame from asparagine 134.
Molecular consequence: frameshift variant. On other transcripts: 5 prime UTR variant (2), non-coding transcript variant (1).
Genome position (GRCh38, 1-based): chr7:80,661,182, A duplicated; the last of 2 consecutive A bases (chr7:80,661,181-80,661,182); duplicating either gives the same sequence. VCF-style (leftmost placement, unchanged base first): chr7-80661180-C-CA. GRCh37 (hg19) VCF-style: chr7-80290496-C-CA.
Other names: c.401dup, p.Asn134fs (NM_000072.3, NM_001001547.3, NM_001127443.2 and 7 more transcripts); c.173dup, p.Asn58fs (NM_001289911.2); c.299dup, p.Asn100fs (NM_001371079.1); c.-65dup (NM_001371080.1); c.-82dup (NM_001371081.1); short protein forms N100fs, N134fs, N58fs.
Identifiers: ClinVar variation 5001217 (VCV005001217.1).